The following is an entry in ClinVar:

NM_052876.4(NACC1):c.54G>T (p.Glu18Asp)

Gene: NACC1 (nucleus accumbens associated 1; plus strand). Cytogenetic location: 19p13.13.
Variant type: single nucleotide variant.
Coding change: c.54G>T on transcript NM_052876.4 (MANE Select); coding-DNA position 54, G replaced by T.
Protein change: p.Glu18Asp; replaces glutamic acid 18 with aspartic acid.
Molecular consequence: missense variant.
Genome position (GRCh38, 1-based): chr19:13,135,261, G>T. VCF-style: chr19-13135261-G-T. GRCh37 (hg19) VCF-style: chr19-13246075-G-T.
Other names: short protein forms E18D.
Identifiers: ClinVar variation 2714640 (VCV002714640.3), dbSNP rs2513135113, ClinGen allele CA404324038.
Genomic context (GRCh38, chr19:13,135,261, plus strand): 5'-CGCTGCCATGGCCCAGACACTGCAGATGGAGATCCCGAACTTCGGCAACAGCATCCTGGA[G>T]TGCCTCAATGAACAGCGGCTGCAGGGCCTGTACTGTGACGTGTCAGTGGTGGTCAAGGGC-3'
Protein context (NP_443108.1, residues 8-28): EIPNFGNSIL[Glu18Asp]CLNEQRLQGL

ClinVar aggregate classification (germline): Uncertain significance (1 of 4 stars; one submission).

Submission:

Labcorp Genetics (formerly Invitae), Labcorp
Classification: Uncertain significance. Last evaluated: 2025-03-23. Review status: criteria provided, single submitter. Criteria: Invitae Variant Classification Sherloc (09022015). Collection method: clinical testing. Allele origin: germline.
Comment: This sequence change replaces glutamic acid, which is acidic and polar, with aspartic acid, which is acidic and polar, at codon 18 of the NACC1 protein (p.Glu18Asp). This variant is not present in population databases (gnomAD no frequency). This variant has not been reported in the literature in individuals affected with NACC1-related conditions. ClinVar contains an entry for this variant (Variation ID: 2714640). Invitae Evidence Modeling of protein sequence and biophysical properties (such as structural, functional, and spatial information, amino acid conservation, physicochemical variation, residue mobility, and thermodynamic stability) indicates that this missense variant is not expected to disrupt NACC1 protein function with a negative predictive value of 80%. In summary, the available evidence is currently insufficient to determine the role of this variant in disease. Therefore, it has been classified as a Variant of Uncertain Significance.